The following is an entry in ClinVar:

NM_020376.4(PNPLA2):c.1107G>C (p.Gln369His)

Gene: PNPLA2 (patatin like domain 2, triacylglycerol lipase; plus strand). Cytogenetic location: 11p15.5.
Variant type: single nucleotide variant.
Coding change: c.1107G>C on transcript NM_020376.4 (MANE Select); coding-DNA position 1107, G replaced by C.
Protein change: p.Gln369His; replaces glutamine 369 with histidine.
Molecular consequence: missense variant.
Genome position (GRCh38, 1-based): chr11:824,368, G>C. VCF-style: chr11-824368-G-C. GRCh37 (hg19) VCF-style: chr11-824368-G-C.
Other names: short protein forms Q369H.
Identifiers: ClinVar variation 1951680 (VCV001951680.4), dbSNP rs1299452823, ClinGen allele CA378983956.

ClinVar aggregate classification (germline): Uncertain significance (1 of 4 stars; one submission).

Conditions:
Neutral lipid storage myopathy (NLSDM). Also called: NEUTRAL LIPID STORAGE DISEASE WITHOUT ICHTHYOSIS. Identifiers: Orphanet 98908, MedGen C1853136, MONDO:0012545, OMIM 610717.

Allele frequency attached by ClinVar (database versions not stated): gnomAD 0.00001; gnomAD exomes 0.00002.
gnomAD v4.1: 13 of 1,551,240 alleles (0.00084%); highest among the groups gnomAD compares: African/African-American, 0.0014%; no homozygotes.

Submission:

Labcorp Genetics (formerly Invitae), Labcorp
Classification: Uncertain significance for Neutral lipid storage myopathy. Last evaluated: 2022-01-19. Review status: criteria provided, single submitter. Criteria: Invitae Variant Classification Sherloc (09022015). Collection method: clinical testing. Allele origin: germline.
Comment: In summary, the available evidence is currently insufficient to determine the role of this variant in disease. Therefore, it has been classified as a Variant of Uncertain Significance. This sequence change replaces glutamine, which is neutral and polar, with histidine, which is basic and polar, at codon 369 of the PNPLA2 protein (p.Gln369His). This variant is present in population databases (no rsID available, gnomAD 0.01%). This variant has not been reported in the literature in individuals affected with PNPLA2-related conditions. Algorithms developed to predict the effect of missense changes on protein structure and function are either unavailable or do not agree on the potential impact of this missense change (SIFT: "Deleterious"; PolyPhen-2: "Probably Damaging"; Align-GVGD: "Class C0").